The following is an entry in ClinVar:

ClinVar aggregate classification (germline): Benign/Likely benign. Review status: criteria provided, multiple submitters, no conflicts (2 of 4 stars). 2 submissions from 2 submitters: Benign (1); Likely benign (1). Last evaluated 2023-06-24.

Conditions:
Menkes kinky-hair syndrome (MNK). Also called: Copper transport disease; Menkes Disease; Classic Menkes Disease. Identifiers: Orphanet 565, MedGen C0022716, MONDO:0010651, OMIM 309400.
Cutis laxa, X-linked (OHS). Also called: EDS IX; Occipital horn syndrome. Identifiers: Orphanet 198, MedGen C0268353, MONDO:0010572, OMIM 304150.
X-linked distal spinal muscular atrophy type 3. Also called: ATP7A-Related Distal Motor Neuropathy; NEURONOPATHY, DISTAL HEREDITARY MOTOR, X-LINKED; NEUROPATHY, DISTAL HEREDITARY MOTOR, X-LINKED; SPINAL MUSCULAR ATROPHY, DISTAL, X-LINKED RECESSIVE. Identifiers: Orphanet 139557, MedGen C1845359, MONDO:0010338, OMIM 300489.

Allele frequency attached by ClinVar (database versions not stated): TOPMed below 0.00001; ExAC 0.00001; gnomAD 0.00002; 1000 Genomes Project 30x 0.00042; 1000 Genomes Project 0.00053.
gnomAD v4.1: 2 of 1,208,007 alleles (0.00017%); highest among the groups gnomAD compares: African/African-American, 0.0035%; no homozygotes.

Submissions (2):

Labcorp Genetics (formerly Invitae), Labcorp
Classification: Benign for X-linked distal spinal muscular atrophy type 3; Cutis laxa, X-linked; Menkes kinky-hair syndrome. Last evaluated: 2023-06-24. Review status: criteria provided, single submitter. Criteria: Invitae Variant Classification Sherloc (09022015). Collection method: clinical testing. Allele origin: germline.

CeGaT Center for Human Genetics Tuebingen
Classification: Likely benign. Last evaluated: 2022-11-01. Review status: criteria provided, single submitter. Criteria: CeGaT Center For Human Genetics Tuebingen Variant Classification Criteria Version 2. Collection method: clinical testing. Allele origin: germline. Affected: yes. Observed: 1 variant allele.
Comment: ATP7A: BP4, BP7

NM_000052.7(ATP7A):c.1770A>G (p.Arg590=)

Gene: ATP7A (ATPase copper transporting alpha; plus strand). Cytogenetic location: Xq21.1.
Variant type: single nucleotide variant.
Coding change: c.1770A>G on transcript NM_000052.7 (MANE Select); coding-DNA position 1770, A replaced by G.
Protein change: p.Arg590=; no amino-acid change (arginine 590 retained).
Molecular consequence: synonymous variant.
Genome position (GRCh38, 1-based): chrX:78,009,164, A>G. VCF-style: chrX-78009164-A-G. GRCh37 (hg19) VCF-style: chrX-77264661-A-G.
Other names: c.1770A>G, p.Arg590= (NM_001282224.2).
Identifiers: ClinVar variation 2660965 (VCV002660965.27), dbSNP rs184136556, ClinGen allele CA10459104.